The following is an entry in ClinVar:

NM_020338.4(ZMIZ1):c.2853_2855dup (p.Ser952_Asp953insSer)

Gene: ZMIZ1 (zinc finger MIZ-type containing 1; plus strand). Cytogenetic location: 10q22.3.
Variant type: Duplication.
Coding change: c.2853_2855dup on transcript NM_020338.4 (MANE Select); coding-DNA positions 2853 to 2855, 3 bases duplicated (CTC; older notation c.2853_2855dupCTC).
Protein change: p.Ser952_Asp953insSer.
Genome position (GRCh38, 1-based): chr10:79,310,941-79,310,943, CTC duplicated. VCF-style (leftmost placement, unchanged base first): chr10-79310940-G-GCTC. GRCh37 (hg19) VCF-style: chr10-81070697-G-GCTC.
Identifiers: ClinVar variation 3384573 (VCV003384573.1).

ClinVar aggregate classification (germline): Uncertain significance (1 of 4 stars; one submission).

Submission:

GeneDx
Classification: Uncertain significance. Last evaluated: 2024-06-05. Review status: criteria provided, single submitter. Criteria: GeneDx Variant Classification Process June 2021. Collection method: clinical testing. Allele origin: germline. Affected: yes.
Comment: Not observed at significant frequency in large population cohorts (gnomAD); In-frame duplication of 1 amino acid in a non-repeat region; Has not been previously published as pathogenic or benign to our knowledge